The following is an entry in ClinVar:

NM_001287.6(CLCN7):c.2331+6C>T

Gene: CLCN7 (chloride voltage-gated channel 7; minus strand). Cytogenetic location: 16p13.3.
Variant type: single nucleotide variant.
Coding change: c.2331+6C>T on transcript NM_001287.6 (MANE Select); 6 bases into the intron after coding-DNA position 2331, C replaced by T.
Molecular consequence: intron variant.
Genome position (GRCh38, 1-based): chr16:1,447,000, G>A on the plus strand (C>T on the coding strand, the complement: CLCN7 is on the minus strand). VCF-style: chr16-1447000-G-A. GRCh37 (hg19) VCF-style: chr16-1497001-G-A.
Other names: c.2259+6C>T (NM_001114331.3).
Identifiers: ClinVar variation 1062014 (VCV001062014.7), dbSNP rs777172728, ClinGen allele CA7809850.

ClinVar aggregate classification (germline): Uncertain significance (1 of 4 stars; one submission).

Allele frequency attached by ClinVar (database versions not stated): gnomAD 0.00001; TOPMed 0.00002; 1000 Genomes Project 30x 0.00016; ExAC 0.00018.
gnomAD v4.1: 33 of 1,581,048 alleles (0.0021%); highest among the groups gnomAD compares: Admixed American, 0.0053%; no homozygotes.

Submission:

Labcorp Genetics (formerly Invitae), Labcorp
Classification: Uncertain significance. Last evaluated: 2025-04-24. Review status: criteria provided, single submitter. Criteria: Invitae Variant Classification Sherloc (09022015). Collection method: clinical testing. Allele origin: germline.
Comment: This sequence change falls in intron 24 of the CLCN7 gene. It does not directly change the encoded amino acid sequence of the CLCN7 protein. It affects a nucleotide within the consensus splice site. The frequency data for this variant in the population databases is considered unreliable, as metrics indicate poor data quality at this position in the gnomAD database. This variant has not been reported in the literature in individuals affected with CLCN7-related conditions. ClinVar contains an entry for this variant (Variation ID: 1062014). Variants that disrupt the consensus splice site are a relatively common cause of aberrant splicing (PMID: 17576681, 9536098). Algorithms developed to predict the effect of sequence changes on RNA splicing suggest that this variant is not likely to affect RNA splicing. In summary, the available evidence is currently insufficient to determine the role of this variant in disease. Therefore, it has been classified as a Variant of Uncertain Significance.

Literature cited by the submitters: PubMed 17576681; PubMed 9536098.